The following is an entry in ClinVar:

ClinVar aggregate classification (germline): Pathogenic (0 of 4 stars; one submission).

Conditions:
Fanconi anemia complementation group A (FANCA). Also called: Fanconi anemia, group A; FANCA-Related Fanconi Anemia. Identifiers: Orphanet 84, MedGen C3469521, MONDO:0009215, OMIM 227650.

Submission:

Leiden Open Variation Database
Classification: Pathogenic for Fanconi anemia complementation group A. Last evaluated: 2020-02-28. Review status: no assertion criteria provided. Collection method: curation. Allele origin: germline. Affected: yes.
Comment: Curator: Arleen D. Auerbach. Submitter to LOVD: Arleen D. Auerbach.

Literature cited by the submitters: PubMed 25168418.

NC_000016.10:g.(89740100_89740803)_(89799233_89799604)del

Genes: FANCA (FA complementation group A; minus strand), ZNF276 (zinc finger protein 276; plus strand). Cytogenetic location: 16q24.3.
Variant type: Deletion.
Identifiers: ClinVar variation 974200 (VCV000974200.1).